The following is an entry in ClinVar:

ClinVar aggregate classification (germline): Conflicting classifications of pathogenicity. Review status: criteria provided, conflicting classifications (1 of 4 stars). 2 submissions from 2 submitters: Uncertain significance (1); Likely benign (1). Last evaluated 2025-07-23.

Conditions:
Hypertrophic cardiomyopathy. Also called: HYPERTROPHIC MYOCARDIOPATHY. Identifiers: Orphanet 217569, MedGen C0007194, MeSH D002312, MONDO:0005045, HP:0001639.

Allele frequency attached by ClinVar (database versions not stated): gnomAD 0.00005 and 0.00007; TOPMed 0.00008; gnomAD exomes 0.00018; ExAC 0.00022; 1000 Genomes Project 30x 0.00031; 1000 Genomes Project 0.00040.
gnomAD v4.1: 101 of 1,613,970 alleles (0.0063%); highest among the groups gnomAD compares: East Asian, 0.22%; no homozygotes.

Submissions (2):

Labcorp Genetics (formerly Invitae), Labcorp
Classification: Likely benign for Hypertrophic cardiomyopathy. Last evaluated: 2025-07-23. Review status: criteria provided, single submitter. Criteria: Invitae Variant Classification Sherloc (09022015). Collection method: clinical testing. Allele origin: germline.

Ambry Genetics
Classification: Uncertain significance. Last evaluated: 2025-07-09. Review status: criteria provided, single submitter. Criteria: Ambry Variant Classification Scheme 2023. Collection method: clinical testing. Allele origin: germline.
Comment: The p.P910L variant (also known as c.2729C>T), located in coding exon 17 of the MYOM1 gene, results from a C to T substitution at nucleotide position 2729. The proline at codon 910 is replaced by leucine, an amino acid with similar properties. This amino acid position is conserved. In addition, this alteration is predicted to be tolerated by in silico analysis. Since supporting evidence is limited at this time, the clinical significance of this alteration remains unclear.

NM_003803.4(MYOM1):c.2729C>T (p.Pro910Leu)

Gene: MYOM1 (myomesin 1; minus strand). Cytogenetic location: 18p11.31.
Variant type: single nucleotide variant.
Coding change: c.2729C>T on transcript NM_003803.4 (MANE Select); coding-DNA position 2729, C replaced by T.
Protein change: p.Pro910Leu; replaces proline 910 with leucine.
Molecular consequence: missense variant. On other transcripts: intron variant (1).
Genome position (GRCh38, 1-based): chr18:3,129,297, G>A on the plus strand (C>T on the coding strand, the complement: MYOM1 is on the minus strand). VCF-style: chr18-3129297-G-A. GRCh37 (hg19) VCF-style: chr18-3129295-G-A.
Other names: c.2506+2078C>T (NM_019856.2); c.2729C>T (NM_003803.3); short protein forms P910L.
Identifiers: ClinVar variation 1089363 (VCV001089363.11), dbSNP rs546136269, ClinGen allele CA8874539.
Genomic context (GRCh38, chr18:3,129,297, plus strand): 5'-TCTGTCTTCTTTTTCAGGGGGTCAGACTTACTTTTCCCCTGAGGAGCCGCTTTCTGTGGT[G>A]GCGGGGTAAGCTCTTCCTGAACTGTTTCACTTACTTTACTCACTTCTGTTTGGCCCAGGT-3'
Protein context (NP_003794.3, residues 900-920): SETVQEELTP[Pro910Leu]PQKAAPQGKS